The following is an entry in ClinVar:

NM_032608.7(MYO18B):c.2141C>T (p.Ala714Val)

Gene: MYO18B (myosin XVIIIB; plus strand). Cytogenetic location: 22q12.1.
Variant type: single nucleotide variant.
Coding change: c.2141C>T on transcript NM_032608.7 (MANE Select); coding-DNA position 2141, C replaced by T.
Protein change: p.Ala714Val; replaces alanine 714 with valine.
Molecular consequence: missense variant.
Genome position (GRCh38, 1-based): chr22:25,780,128, C>T. VCF-style: chr22-25780128-C-T. GRCh37 (hg19) VCF-style: chr22-26176095-C-T.
Other names: c.2141C>T, p.Ala714Val (NM_001318245.2); short protein forms A714V.
Identifiers: ClinVar variation 3618645 (VCV003618645.2).

ClinVar aggregate classification (germline): Uncertain significance (1 of 4 stars; one submission).

Submission:

Labcorp Genetics (formerly Invitae), Labcorp
Classification: Uncertain significance. Last evaluated: 2024-12-23. Review status: criteria provided, single submitter. Criteria: Invitae Variant Classification Sherloc (09022015). Collection method: clinical testing. Allele origin: germline.
Comment: This sequence change replaces alanine, which is neutral and non-polar, with valine, which is neutral and non-polar, at codon 714 of the MYO18B protein (p.Ala714Val). This variant is not present in population databases (gnomAD no frequency). This variant has not been reported in the literature in individuals affected with MYO18B-related conditions. An algorithm developed to predict the effect of missense changes on protein structure and function (PolyPhen-2) suggests that this variant is likely to be disruptive. In summary, the available evidence is currently insufficient to determine the role of this variant in disease. Therefore, it has been classified as a Variant of Uncertain Significance.